The following is an entry in ClinVar:

ClinVar aggregate classification (germline): Uncertain significance (1 of 4 stars; one submission).

Conditions:
Cardiomyopathy (CMYO). Also called: Cardiomyopathies. Identifiers: Orphanet 167848, MedGen C0878544, MONDO:0004994, HP:0001638. Inheritance: Various modes of inheritance.

Submission:

All of Us Research Program, National Institutes of Health
Classification: Uncertain significance for Cardiomyopathy. Last evaluated: 2023-02-24. Review status: criteria provided, single submitter. Criteria: ACMG Guidelines, 2015. Collection method: clinical testing. Allele origin: germline. Inheritance: Autosomal dominant inheritance. Observed: 1 variant allele, 1 heterozygote.
Comment: This missense variant replaces aspartic acid with valine at codon 1008 of the MYH7 protein. Computational prediction suggests that this variant may have deleterious impact on protein structure and function (internally defined REVEL score threshold >= 0.7, PMID: 27666373). To our knowledge, functional studies have not been reported for this variant. This variant has not been reported in individuals affected with MYH7-related disorders in the literature. This variant has not been identified in the general population by the Genome Aggregation Database (gnomAD). The available evidence is insufficient to determine the role of this variant in disease conclusively. Therefore, this variant is classified as a Variant of Uncertain Significance.

This study involves interpretation of variants in research participants for the purpose of population health screening. Participant phenotype was not available at the time of variant classification. Additional details can be found in publication PMID: 35346344, PMCID: PMC8962531

NM_000257.4(MYH7):c.3023A>T (p.Asp1008Val)

Gene: MYH7 (myosin heavy chain 7; minus strand). Cytogenetic location: 14q11.2.
Variant type: single nucleotide variant.
Coding change: c.3023A>T on transcript NM_000257.4 (MANE Select); coding-DNA position 3023, A replaced by T.
Protein change: p.Asp1008Val; replaces aspartic acid 1008 with valine.
Molecular consequence: missense variant.
Genome position (GRCh38, 1-based): chr14:23,423,623, T>A on the plus strand (A>T on the coding strand, the complement: MYH7 is on the minus strand). VCF-style: chr14-23423623-T-A. GRCh37 (hg19) VCF-style: chr14-23892832-T-A.
Other names: c.3023A>T, p.Asp1008Val (NM_001407004.1); short protein forms D1008V.
Identifiers: ClinVar variation 3069613 (VCV003069613.1), dbSNP rs2502277879, ClinGen allele CA389045868.